The following is an entry in ClinVar:

ClinVar aggregate classification (germline): Uncertain significance. Review status: criteria provided, multiple submitters, no conflicts (2 of 4 stars). 3 submissions from 3 submitters: Uncertain significance (3). Last evaluated 2025-05-27.

Allele frequency attached by ClinVar (database versions not stated): gnomAD exomes 0.00001; TOPMed 0.00001; ExAC 0.00002; ESP Exome Variant Server 0.00008.
gnomAD v4.1: 10 of 1,614,100 alleles (0.00062%); highest among the groups gnomAD compares: Middle Eastern, 0.066%; no homozygotes.

Submissions (3):

Women's Health and Genetics/Laboratory Corporation of America, LabCorp
Classification: Uncertain significance. Last evaluated: 2025-05-27. Review status: criteria provided, single submitter. Criteria: LabCorp Variant Classification Summary - May 2015. Collection method: clinical testing. Allele origin: germline.
Comment: Variant summary: FAT4 c.9577G>A (p.Val3193Ile) results in a conservative amino acid change located in the Cadherin-like domain (IPR002126) of the encoded protein sequence. Algorithms developed to predict the effect of missense changes on protein structure and function all suggest that this variant is likely to be tolerated. The variant allele was found at a frequency of 2e-05 in 251152 control chromosomes. The available data on variant occurrences in the general population are insufficient to allow any conclusion about variant significance. c.9577G>A has been reported in the literature in at-least one individual affected with autoimmune disorder (Seidel_2015). This report does not provide unequivocal conclusions about association of the variant with FAT4-Related Disorders. To our knowledge, no experimental evidence demonstrating an impact on protein function has been reported. The following publication has been ascertained in the context of this evaluation (PMID: 25539626). ClinVar contains an entry for this variant (Variation ID: 2655085). Based on the evidence outlined above, the variant was classified as uncertain significance.

Labcorp Genetics (formerly Invitae), Labcorp
Classification: Uncertain significance. Last evaluated: 2024-05-26. Review status: criteria provided, single submitter. Criteria: Invitae Variant Classification Sherloc (09022015). Collection method: clinical testing. Allele origin: germline.
Comment: This sequence change replaces valine, which is neutral and non-polar, with isoleucine, which is neutral and non-polar, at codon 3193 of the FAT4 protein (p.Val3193Ile). This variant is present in population databases (rs143764643, gnomAD 0.006%). This variant has not been reported in the literature in individuals affected with FAT4-related conditions. ClinVar contains an entry for this variant (Variation ID: 2655085). Advanced modeling of protein sequence and biophysical properties (such as structural, functional, and spatial information, amino acid conservation, physicochemical variation, residue mobility, and thermodynamic stability) performed at Invitae indicates that this missense variant is not expected to disrupt FAT4 protein function with a negative predictive value of 80%. In summary, the available evidence is currently insufficient to determine the role of this variant in disease. Therefore, it has been classified as a Variant of Uncertain Significance.

CeGaT Center for Human Genetics Tuebingen
Classification: Uncertain significance. Last evaluated: 2023-08-01. Review status: criteria provided, single submitter. Criteria: CeGaT Center For Human Genetics Tuebingen Variant Classification Criteria Version 2. Collection method: clinical testing. Allele origin: germline. Affected: yes. Observed: 1 variant allele.
Comment: FAT4: PM2, BP4

Literature cited by the submitters: PubMed 25539626 (cited by Women's Health and Genetics/Laboratory Corporation of America, LabCorp).

NM_001291303.3(FAT4):c.9583G>A (p.Val3195Ile)

Gene: FAT4 (FAT atypical cadherin 4; plus strand). Cytogenetic location: 4q28.1.
Variant type: single nucleotide variant.
Coding change: c.9583G>A on transcript NM_001291303.3 (MANE Select); coding-DNA position 9583, G replaced by A.
Protein change: p.Val3195Ile; replaces valine 3195 with isoleucine.
Molecular consequence: missense variant.
Genome position (GRCh38, 1-based): chr4:125,450,593, G>A. VCF-style: chr4-125450593-G-A. GRCh37 (hg19) VCF-style: chr4-126371748-G-A.
Other names: c.9583G>A, p.Val3195Ile (NM_001291285.3); c.9577G>A, p.Val3193Ile (NM_024582.6); short protein forms V3193I, V3195I.
Identifiers: ClinVar variation 2655085 (VCV002655085.29), dbSNP rs143764643, ClinGen allele CA3073544.